The following is an entry in ClinVar:

NM_002471.4(MYH6):c.5566-16del

Gene: MYH6 (myosin heavy chain 6; minus strand). Cytogenetic location: 14q11.2.
Variant type: Deletion.
Coding change: c.5566-16del on transcript NM_002471.4 (MANE Select); 16 bases into the intron before coding-DNA position 5566, one base deleted (A; older notation c.5566-16delA).
Molecular consequence: intron variant.
Genome position (GRCh38, 1-based): chr14:23,383,336, T deleted on the plus strand (A on the coding strand, the reverse complement: MYH6 is on the minus strand). VCF-style (leftmost placement, unchanged base first): chr14-23383335-GT-G. GRCh37 (hg19) VCF-style: chr14-23852544-GT-G.
Identifiers: ClinVar variation 929190 (VCV000929190.1), dbSNP rs1890917892, ClinGen allele CA1139663407.

ClinVar aggregate classification (germline): Uncertain significance (1 of 4 stars; one submission).

Submission:

Women's Health and Genetics/Laboratory Corporation of America, LabCorp
Classification: Uncertain significance. Last evaluated: 2019-09-20. Review status: criteria provided, single submitter. Criteria: LabCorp Variant Classification Summary - May 2015. Collection method: clinical testing. Allele origin: germline.
Comment: Variant summary: MYH6 c.5566-16delA alters a non-conserved nucleotide located close to a canonical splice site and therefore could affect mRNA splicing, leading to a significantly altered protein sequence. 5/5 computational tools predict no significant impact on normal splicing. However, these predictions have yet to be confirmed by functional studies. The variant was absent in 205042 control chromosomes (gnomAD). The available data on variant occurrences in the general population are insufficient to allow any conclusion about variant significance. To our knowledge, no occurrence of c.5566-16delA in individuals affected with Cardiomyopathy and no experimental evidence demonstrating its impact on protein function have been reported. No clinical diagnostic laboratories have submitted clinical-significance assessments for this variant to ClinVar after 2014. Based on the evidence outlined above, the variant was classified as VUS-possibly benign.